The following is an entry in ClinVar:

NM_006939.4(SOS2):c.3490-18A>C

Gene: SOS2 (SOS Ras/Rho guanine nucleotide exchange factor 2; minus strand). Cytogenetic location: 14q21.3.
Variant type: single nucleotide variant.
Coding change: c.3490-18A>C on transcript NM_006939.4 (MANE Select); 18 bases into the intron before coding-DNA position 3490, A replaced by C.
Molecular consequence: intron variant.
Genome position (GRCh38, 1-based): chr14:50,118,871, T>G on the plus strand (A>C on the coding strand, the complement: SOS2 is on the minus strand). VCF-style: chr14-50118871-T-G. GRCh37 (hg19) VCF-style: chr14-50585589-T-G.
Identifiers: ClinVar variation 384723 (VCV000384723.13), dbSNP rs79858475, ClinGen allele CA7176775.

ClinVar aggregate classification (germline): Benign. Review status: criteria provided, multiple submitters, no conflicts (2 of 4 stars). 6 submissions from 6 submitters: Benign (6). Last evaluated 2026-02-04.

Conditions:
Noonan syndrome 9 (NS9). Identifiers: Orphanet 648, MedGen C4225282, MONDO:0014691, OMIM 616559.

Allele frequency attached by ClinVar (database versions not stated): gnomAD exomes 0.09208; 1000 Genomes Project 0.10503; ExAC 0.10747; 1000 Genomes Project 30x 0.11102; ESP Exome Variant Server 0.13897; gnomAD 0.14241 and 0.14981; TOPMed 0.14865.
gnomAD v4.1: 158,555 of 1,404,518 alleles (11%); highest among the groups gnomAD compares: African/African-American, 26%; 10,811 homozygotes.

Submissions (6):

Labcorp Genetics (formerly Invitae), Labcorp
Classification: Benign for Noonan syndrome 9. Last evaluated: 2026-02-04. Review status: criteria provided, single submitter. Criteria: Invitae Variant Classification Sherloc (09022015). Collection method: clinical testing. Allele origin: germline.

Blueprint Genetics
Classification: Benign. Last evaluated: 2024-11-27. Review status: criteria provided, single submitter. Criteria: ACMG Guidelines, 2015. Collection method: clinical testing. Allele origin: germline.

Women's Health and Genetics/Laboratory Corporation of America, LabCorp
Classification: Benign. Last evaluated: 2017-04-11. Review status: criteria provided, single submitter. Criteria: LabCorp Variant Classification Summary - May 2015. Collection method: clinical testing. Allele origin: germline.
Comment: Variant summary: The SOS2 c.3490-18A>C variant involves the alteration of a non-conserved intronic nucleotide. One in silico tool predicts a benign outcome for this variant. 5/5 splice prediction tools predict no significant impact on normal splicing. ESE Finder predicts the variant may create an SRp55 ESE site at the locus. However, these predictions have yet to be confirmed by functional studies. This variant was found in the large control database ExAC at a frequency of 0.1074677 (9973/92800 control chromosomes [681 homozygotes]), which is approximately 42987 times the estimated maximal expected allele frequency of a pathogenic SOS2 variant (0.0000025), strong evidence that this variant is likely a benign polymorphism. In addition, one clinical diagnostic laboratory classified this variant as benign. The variant of interest has not, to our knowledge, been reported in affected individuals via publications, nor has it been evaluated for functional impact by in vivo/vitro studies. Taken together, this variant is classified as benign.

GeneDx
Classification: Benign. Last evaluated: 2016-09-29. Review status: criteria provided, single submitter. Criteria: GeneDx Variant Classification (06012015). Collection method: clinical testing. Allele origin: germline. Affected: yes.
Comment: This variant is considered likely benign or benign based on one or more of the following criteria: it is a conservative change, it occurs at a poorly conserved position in the protein, it is predicted to be benign by multiple in silico algorithms, and/or has population frequency not consistent with disease.

Breakthrough Genomics
Classification: Benign. Review status: criteria provided, single submitter. Criteria: ACMG Guidelines, 2015. Collection method: not provided. Allele origin: germline. Inheritance: Autosomal dominant inheritance. Affected: yes.

Genome-Nilou Lab
Classification: Benign for Noonan syndrome 9. Review status: criteria provided, single submitter. Criteria: ACMG Guidelines, 2015. Collection method: clinical testing. Allele origin: germline.